The following is an entry in ClinVar:

ClinVar aggregate classification (germline): Pathogenic (1 of 4 stars; one submission).

Conditions:
Hereditary breast ovarian cancer syndrome. Also called: Hereditary breast and ovarian cancer; Breast and ovarian cancer; Hereditary breast and ovarian cancer syndrome; BRCA1- and BRCA2-Associated Hereditary Breast and Ovarian Cancer; Hereditary breast and/or ovarian cancer syndrome; Hereditary breast and ovarian cancer syndrome (HBOC). Identifiers: Orphanet 145, MedGen C0677776, MeSH D061325, MONDO:0003582. Disease mechanism: loss of function.

Submission:

Labcorp Genetics (formerly Invitae), Labcorp
Classification: Pathogenic for Hereditary breast ovarian cancer syndrome. Last evaluated: 2023-12-04. Review status: criteria provided, single submitter. Criteria: Invitae Variant Classification Sherloc (09022015). Collection method: clinical testing. Allele origin: germline.
Comment: This sequence change creates a premature translational stop signal (p.Gly2901Valfs*8) in the BRCA2 gene. It is expected to result in an absent or disrupted protein product. Loss-of-function variants in BRCA2 are known to be pathogenic (PMID: 20104584). This variant is not present in population databases (gnomAD no frequency). This variant has not been reported in the literature in individuals affected with BRCA2-related conditions. ClinVar contains an entry for this variant (Variation ID: 575474). For these reasons, this variant has been classified as Pathogenic.

Literature cited by the submitters: PubMed 20104584.

NM_000059.4(BRCA2):c.8702del (p.Gly2901fs)

Gene: BRCA2 (BRCA2 DNA repair associated; plus strand). Cytogenetic location: 13q13.1.
Variant type: Deletion.
Coding change: c.8702del on transcript NM_000059.4 (MANE Select); coding-DNA position 8702, one base deleted (G; older notation c.8702delG).
Protein change: p.Gly2901fs; shifts the reading frame from glycine 2901.
Molecular consequence: frameshift variant.
Genome position (GRCh38, 1-based): chr13:32,376,739, G deleted; the last of 2 consecutive G bases (chr13:32,376,738-32,376,739); deleting either gives the same sequence. VCF-style (leftmost placement, unchanged base first): chr13-32376737-TG-T. GRCh37 (hg19) VCF-style: chr13-32950874-TG-T.
Other names: c.8702delG (NM_000059.3); short protein forms G2901fs.
Identifiers: ClinVar variation 575474 (VCV000575474.9), dbSNP rs1566251448, ClinGen allele CA891843901.